The following is an entry in ClinVar:

ClinVar aggregate classification (germline): Uncertain significance (1 of 4 stars; one submission).

Submission:

Ambry Genetics
Classification: Uncertain significance. Last evaluated: 2026-04-04. Review status: criteria provided, single submitter. Criteria: Ambry Variant Classification Scheme 2023. Collection method: clinical testing. Allele origin: germline.
Comment: The p.G2039D variant (also known as c.6116G>A) is located in coding exon 25 of the WNK2 gene. The glycine at codon 2039 is replaced by aspartic acid, an amino acid with similar properties. This change occurs in the first base pair of coding exon 25. This amino acid position is conserved. In addition, this alteration is predicted to be deleterious by in silico analysis. Based on the available evidence, the clinical significance of this variant remains unclear.

NM_006648.4(WNK2):c.6116G>A (p.Gly2039Asp)

Gene: WNK2 (WNK lysine deficient protein kinase 2; plus strand). Cytogenetic location: 9q22.31.
Variant type: single nucleotide variant.
Coding change: c.6116G>A on transcript NM_006648.4 (MANE Select); coding-DNA position 6116, G replaced by A.
Protein change: p.Gly2039Asp; replaces glycine 2039 with aspartic acid.
Molecular consequence: missense variant.
Genome position (GRCh38, 1-based): chr9:93,300,051, G>A. VCF-style: chr9-93300051-G-A. GRCh37 (hg19) VCF-style: chr9-96062333-G-A.
Other names: c.6227G>A, p.Gly2076Asp (NM_001282394.3); short protein forms G2039D, G2076D.
Identifiers: ClinVar variation 4866565 (VCV004866565.1).
Genomic context (GRCh38, chr9:93,300,051, plus strand): 5'-CGCAGCAACCTGTACTTGATGAGTGTCTCTTTGTTTTCTTCCCTTTATATTCATTTGCAG[G>A]CTGGACGGTTTACCACCCAACGTCTGAGAGAGTGACCTATAAGTCTAGTAGCAAACCTCG-3'
Protein context (NP_006639.3, residues 2029-2049): ASDGGGARGQ[Gly2039Asp]WTVYHPTSER